The following is an entry in ClinVar:

NM_014846.4(WASHC5):c.2833C>G (p.Leu945Val)

Genes: WASHC5 (WASH complex subunit 5; minus strand), WASHC5-AS1 (WASHC5 antisense RNA 1; plus strand). Cytogenetic location: 8q24.13.
Variant type: single nucleotide variant.
Coding change: c.2833C>G on transcript NM_014846.4 (MANE Select); coding-DNA position 2833, C replaced by G.
Protein change: p.Leu945Val; replaces leucine 945 with valine.
Molecular consequence: missense variant.
Genome position (GRCh38, 1-based): chr8:125,043,842, G>C on the plus strand (C>G on the coding strand, the complement: WASHC5 is on the minus strand). VCF-style: chr8-125043842-G-C. GRCh37 (hg19) VCF-style: chr8-126056084-G-C.
Other names: c.2389C>G, p.Leu797Val (NM_001330609.2); short protein forms L945V, L797V.
Identifiers: ClinVar variation 2922521 (VCV002922521.3), dbSNP rs777035089, ClinGen allele CA185293284.
Genomic context (GRCh38, chr8:125,043,842, plus strand): 5'-AAAATGTAAGTATTGACTGTACACCCTCTCTTCTACAACATACCTTCATTATAGCCTCGA[G>C]ATACGCAGTCCAAATCTTCTGTGTTTTGGCAATGGCGGAAAAATAAATTTTATTTGAATT-3'
Protein context (NP_055661.3, residues 935-955): AKTQKIWTAY[Leu945Val]EAIMKVGQMQ

ClinVar aggregate classification (germline): Uncertain significance (1 of 4 stars; one submission).

Conditions:
Hereditary spastic paraplegia 8 (SPG8). Also called: SPASTIC PARAPLEGIA 8, AUTOSOMAL DOMINANT. Identifiers: Orphanet 100989, MedGen C1863704, MONDO:0011339, OMIM 603563.
Ritscher-Schinzel syndrome. Also called: CRANIOCEREBELLOCARDIAC DYSPLASIA. Identifiers: Orphanet 7, MedGen C0796137, MONDO:0019078.

Allele frequency attached by ClinVar (database versions not stated): TOPMed 0.00002; gnomAD 0.00001; gnomAD exomes 0.00007.
gnomAD v4.1: 96 of 1,610,244 alleles (0.006%); highest among the groups gnomAD compares: Non-Finnish European, 0.0081%; no homozygotes.

Submission:

Labcorp Genetics (formerly Invitae), Labcorp
Classification: Uncertain significance for Ritscher-Schinzel syndrome; Hereditary spastic paraplegia 8. Last evaluated: 2023-12-18. Review status: criteria provided, single submitter. Criteria: Invitae Variant Classification Sherloc (09022015). Collection method: clinical testing. Allele origin: germline.
Comment: This sequence change replaces leucine, which is neutral and non-polar, with valine, which is neutral and non-polar, at codon 945 of the WASHC5 protein (p.Leu945Val). This variant is present in population databases (rs777035089, gnomAD 0.007%). This variant has not been reported in the literature in individuals affected with WASHC5-related conditions. Advanced modeling of protein sequence and biophysical properties (such as structural, functional, and spatial information, amino acid conservation, physicochemical variation, residue mobility, and thermodynamic stability) performed at Invitae indicates that this missense variant is not expected to disrupt WASHC5 protein function with a negative predictive value of 80%. In summary, the available evidence is currently insufficient to determine the role of this variant in disease. Therefore, it has been classified as a Variant of Uncertain Significance.